The following is an entry in ClinVar:

NM_001323289.2(CDKL5):c.1008_1030del (p.Ser337fs)

Gene: CDKL5 (cyclin dependent kinase like 5; plus strand). Cytogenetic location: Xp22.13.
Variant type: Deletion.
Coding change: c.1008_1030del on transcript NM_001323289.2 (MANE Select); coding-DNA positions 1008 to 1030, 23 bases deleted (GTCTCACCACAGATCTAACAGCA).
Protein change: p.Ser337fs; shifts the reading frame from serine 337.
Molecular consequence: frameshift variant.
Genome position (GRCh38, 1-based): chrX:18,603,932-18,603,954, GTCTCACCACAGATCTAACAGCA deleted; deleting any 23 consecutive bases within chrX:18,603,929-18,603,954 gives the same sequence; the c. name uses the placement nearest the transcript's 3' end. VCF-style (leftmost placement, unchanged base first): chrX-18603928-TGCAGTCTCACCACAGATCTAACA-T. GRCh37 (hg19) VCF-style: chrX-18622048-TGCAGTCTCACCACAGATCTAACA-T.
Other names: NM_003159.3:c.1008_1030del; c.1008_1030del, p.Ser337fs (NM_001037343.2, NM_003159.3); short protein forms S337fs.
Identifiers: ClinVar variation 3602036 (VCV003602036.1).
Genomic context (GRCh38, chrX:18,603,928, plus strand): 5'-GGAAACTGATATACTTCTTTTGTTTTTAACATAGAAACCAAGCCGGCAAAAGTACTGCTT[TGCAGTCTCACCACAGATCTAACA>T]GCAAGGACATCCAGAACCTGAGTGTAGGCCTGCCCCGGGCTGACGAAGGTCTCCCTGCCA-3'

ClinVar aggregate classification (germline): Likely pathogenic (1 of 4 stars; one submission).

Conditions:
Rett syndrome (RTT). Also called: AUTISM, DEMENTIA, ATAXIA, AND LOSS OF PURPOSEFUL HAND USE; Rett's disorder. Identifiers: Orphanet 3095, Orphanet 778, MedGen C0035372, MONDO:0010726, OMIM 312750.

Submission:

Centre for Population Genomics, CPG
Classification: Likely pathogenic for Rett syndrome. Last evaluated: 2024-12-19. Review status: criteria provided, single submitter. Criteria: McKnight et al. (Hum Mutat. 2022). Collection method: curation. Allele origin: germline. Inheritance: X-linked inheritance.
Comment: Based on the classification scheme defined by the ClinGen Rett/Angelman-like Expert Panel for Rett/AS-like Disorders Specifications to the ACMG/AMP Variant Interpretation Guidelines VCEP 3.0, this variant is classified as likely pathogenic. At least the following criteria are met: Predicted to result in loss of function, and LOF is a known mechanism of disease (PVS1). This variant is absent from gnomAD (PM2_Supporting).